The following is an entry in ClinVar:

NM_000465.4(BARD1):c.1544C>A (p.Ser515Tyr)

Gene: BARD1 (BRCA1 associated RING domain 1; minus strand). Cytogenetic location: 2q35.
Variant type: single nucleotide variant.
Coding change: c.1544C>A on transcript NM_000465.4 (MANE Select); coding-DNA position 1544, C replaced by A.
Protein change: p.Ser515Tyr; replaces serine 515 with tyrosine.
Molecular consequence: missense variant. On other transcripts: non-coding transcript variant (3), intron variant (3).
Genome position (GRCh38, 1-based): chr2:214,767,506, G>T on the plus strand (C>A on the coding strand, the complement: BARD1 is on the minus strand). VCF-style: chr2-214767506-G-T. GRCh37 (hg19) VCF-style: chr2-215632230-G-T.
Other names: c.1487C>A, p.Ser496Tyr (NM_001282543.2); c.159-14951C>A (NM_001282548.2); c.216-14951C>A (NM_001282545.2); c.364+24791C>A (NM_001282549.2); short protein forms S515Y, S496Y.
Identifiers: ClinVar variation 850584 (VCV000850584.14), dbSNP rs746878509, ClinGen allele CA350448166.

ClinVar aggregate classification (germline): Uncertain significance. Review status: criteria provided, multiple submitters, no conflicts (2 of 4 stars). 3 submissions from 3 submitters: Uncertain significance (3). Last evaluated 2025-03-02.

Conditions:
Hereditary cancer-predisposing syndrome. Also called: Tumor predisposition; Neoplastic Syndromes, Hereditary; Hereditary neoplastic syndrome; Hereditary Cancer Syndrome. Identifiers: Orphanet 140162, MedGen C0027672, MeSH D009386, MONDO:0015356.
Familial cancer of breast. Also called: BREAST CANCER, FAMILIAL; Hereditary breast cancer; hereditary breast carcinoma. Identifiers: Orphanet 227535, MedGen C0346153, MONDO:0016419, OMIM 114480. Disease mechanism: loss of function.

Submissions (3):

Labcorp Genetics (formerly Invitae), Labcorp
Classification: Uncertain significance for Familial cancer of breast. Last evaluated: 2025-03-02. Review status: criteria provided, single submitter. Criteria: Invitae Variant Classification Sherloc (09022015). Collection method: clinical testing. Allele origin: germline.
Comment: This sequence change replaces serine, which is neutral and polar, with tyrosine, which is neutral and polar, at codon 515 of the BARD1 protein (p.Ser515Tyr). This variant is not present in population databases (gnomAD no frequency). This variant has not been reported in the literature in individuals affected with BARD1-related conditions. ClinVar contains an entry for this variant (Variation ID: 850584). An algorithm developed to predict the effect of missense changes on protein structure and function (PolyPhen-2) suggests that this variant is likely to be disruptive. In summary, the available evidence is currently insufficient to determine the role of this variant in disease. Therefore, it has been classified as a Variant of Uncertain Significance.

Baylor Genetics
Classification: Uncertain significance for Familial cancer of breast. Last evaluated: 2023-07-19. Review status: criteria provided, single submitter. Criteria: ACMG Guidelines, 2015. Collection method: clinical testing. Allele origin: unknown.

Ambry Genetics
Classification: Uncertain significance for Hereditary cancer-predisposing syndrome. Last evaluated: 2023-06-24. Review status: criteria provided, single submitter. Criteria: Ambry Variant Classification Scheme 2023. Collection method: clinical testing. Allele origin: germline.
Comment: The p.S515Y variant (also known as c.1544C>A), located in coding exon 6 of the BARD1 gene, results from a C to A substitution at nucleotide position 1544. The serine at codon 515 is replaced by tyrosine, an amino acid with dissimilar properties. This amino acid position is not well conserved in available vertebrate species. In addition, this alteration is predicted to be tolerated by in silico analysis. Since supporting evidence is limited at this time, the clinical significance of this alteration remains unclear.